The following is an entry in ClinVar:

NM_000051.4(ATM):c.2318T>G (p.Ile773Ser)

Gene: ATM (ATM serine/threonine kinase; plus strand). Cytogenetic location: 11q22.3.
Variant type: single nucleotide variant.
Coding change: c.2318T>G on transcript NM_000051.4 (MANE Select); coding-DNA position 2318, T replaced by G.
Protein change: p.Ile773Ser; replaces isoleucine 773 with serine.
Molecular consequence: missense variant.
Genome position (GRCh38, 1-based): chr11:108,257,548, T>G. VCF-style: chr11-108257548-T-G. GRCh37 (hg19) VCF-style: chr11-108128275-T-G.
Other names: c.2318T>G, p.Ile773Ser (NM_001351834.2); short protein forms I773S.
Identifiers: ClinVar variation 4843899 (VCV004843899.1).

ClinVar aggregate classification (germline): Uncertain significance (1 of 4 stars; one submission).

Conditions:
Hereditary cancer-predisposing syndrome. Also called: Neoplastic Syndromes, Hereditary; Tumor predisposition; Hereditary Cancer Syndrome; Hereditary neoplastic syndrome. Identifiers: Orphanet 140162, MedGen C0027672, MeSH D009386, MONDO:0015356.

Submission:

Ambry Genetics
Classification: Uncertain significance for Hereditary cancer-predisposing syndrome. Last evaluated: 2025-12-17. Review status: criteria provided, single submitter. Criteria: Ambry Variant Classification Scheme 2023. Collection method: clinical testing. Allele origin: germline.
Comment: The p.I773S variant (also known as c.2318T>G), located in coding exon 14 of the ATM gene, results from a T to G substitution at nucleotide position 2318. The isoleucine at codon 773 is replaced by serine, an amino acid with dissimilar properties. In an assay testing ATM function, this variant showed a functionally normal result (Lee KS et al. Cell, 2025 Sep;188:5081-5099.e27). This amino acid position is well conserved in available vertebrate species. In addition, the in silico prediction for this alteration is inconclusive. Based on the available evidence, the clinical significance of this variant remains unclear.

Literature cited by the submitters: PubMed 40580951.